The following is an entry in ClinVar:

NM_020706.2(SCAF4):c.2989C>T (p.Gln997Ter)

Gene: SCAF4 (SR-related CTD associated factor 4; minus strand). Cytogenetic location: 21q22.11.
Variant type: single nucleotide variant.
Coding change: c.2989C>T on transcript NM_020706.2 (MANE Select); coding-DNA position 2989, C replaced by T.
Protein change: p.Gln997Ter; replaces glutamine 997 with a stop codon.
Molecular consequence: nonsense.
Genome position (GRCh38, 1-based): chr21:31,671,854, G>A on the plus strand (C>T on the coding strand, the complement: SCAF4 is on the minus strand). VCF-style: chr21-31671854-G-A. GRCh37 (hg19) VCF-style: chr21-33044167-G-A.
Other names: c.2944C>T, p.Gln982Ter (NM_001145444.1); c.2923C>T, p.Gln975Ter (NM_001145445.1); short protein forms Q975*, Q982*, Q997*.
Identifiers: ClinVar variation 3068660 (VCV003068660.1), dbSNP rs2516673370, ClinGen allele CA410039461.

ClinVar aggregate classification (germline): Uncertain significance (1 of 4 stars; one submission).

Conditions:
Complex neurodevelopmental disorder. Identifiers: Orphanet 528084, MedGen C5568766, MONDO:0100038.

Submission:

Molecular Genetics, Royal Melbourne Hospital
Classification: Uncertain significance for Complex neurodevelopmental disorder. Last evaluated: 2022-08-04. Review status: criteria provided, single submitter. Criteria: ACMG Guidelines, 2015. Collection method: clinical testing. Allele origin: germline.
Comment: This sequence change in SCAF4 is a nonsense variant that may cause a premature stop codon, p.(Gln997*), that is predicted to escape nonsense-mediated decay and remove ~13% of the protein (a region unknown function) in a gene where loss-of-function is an established disease mechanism (PMID: 32730804). This variant is absent from gnomAD v2.1 and v3.1. To our knowledge, this variant has not been reported in the literature in any individuals with SCAF4-related disease. Based on the classification scheme RMH Modified ACMG Guidelines v1.5.1, this variant is classified as a VARIANT OF UNCERTAIN SIGNIFICANCE. Following criteria are met: PVS1_Moderate, PM2_Supporting.

Literature cited by the submitters: PubMed 32730804.